The following is an entry in ClinVar:

NM_001368894.2(PAX6):c.806A>G (p.Gln269Arg)

Gene: PAX6 (paired box 6; minus strand). Cytogenetic location: 11p13.
Variant type: single nucleotide variant.
Coding change: c.806A>G on transcript NM_001368894.2 (MANE Select); coding-DNA position 806, A replaced by G.
Protein change: p.Gln269Arg; replaces glutamine 269 with arginine.
Molecular consequence: missense variant.
Genome position (GRCh38, 1-based): chr11:31,794,033, T>C on the plus strand (A>G on the coding strand, the complement: PAX6 is on the minus strand). VCF-style: chr11-31794033-T-C. GRCh37 (hg19) VCF-style: chr11-31815581-T-C.
Other names: c.764A>G, p.Gln255Arg (NM_000280.6, NM_001127612.3, NM_001258464.2 and 10 more transcripts); c.806A>G, p.Gln269Arg (NM_001258462.3, NM_001258463.2, NM_001310158.2 and 6 more transcripts); c.356A>G, p.Gln119Arg (NM_001310160.2, NM_001310161.3, NM_001368905.2 and 11 more transcripts); c.1007A>G, p.Gln336Arg (NM_001368910.2); c.809A>G, p.Gln270Arg (NM_001368911.2); c.605A>G, p.Gln202Arg (NM_001368924.2, NM_001368925.2, NM_001368926.2 and 4 more transcripts); c.563A>G, p.Gln188Arg (NM_001368928.2); c.161A>G, p.Gln54Arg (NM_001368930.2); and 2 more; short protein forms Q119R, Q188R, Q202R, Q255R, Q269R, Q270R, Q280R, Q294R.
Identifiers: ClinVar variation 4537480 (VCV004537480.1).
Genomic context (GRCh38, chr11:31,794,033, plus strand): 5'-CTCTAGGAAAGACAAATGGTATGAATCACAAAGTGTGAAACTGCACAGTCTCTCGGTACC[T>C]GTATTCTTGCTTCAGGTAGATCTATTTTGGCTGCTAGTCTTTCTCGGGCAAACACATCTG-3'
Protein context (NP_001355823.1, residues 259-279): AKIDLPEARI[Gln269Arg]VWFSNRRAKW

ClinVar aggregate classification (germline): Likely pathogenic (1 of 4 stars; one submission).

Conditions:
Aniridia 1 (AN1). Identifiers: Orphanet 250923, MedGen C0344542, MONDO:0024507, OMIM 106210.

Submission:

Pele Pequeno Principe Research Institute, Faculdades Pequeno Principe
Classification: Likely pathogenic for Aniridia 1. Last evaluated: 2025-12-01. Review status: criteria provided, single submitter. Criteria: ACMG Guidelines, 2015. Collection method: research. Allele origin: germline. Inheritance: Autosomal dominant inheritance. Affected: yes. Observed: 1 heterozygote.
Comment: The PAX6:c.806A>G variant results in a missense substitution in the PAX6 gene, leading to the amino acid change p.(Gln269Arg). This residue lies within a functionally important region of the PAX6 protein. In silico prediction tools consistently support a deleterious effect on protein function. According to the Genome Aggregation Database (gnomAD), this variant is absent from population datasets . Additionally, another missense variant affecting the same amino acid residue (p.Gln269His) has been previously reported in ClinVar. Missense variants in PAX6 are a recognized cause of PAX6-related disorders, including aniridia and other ocular developmental anomalies. (PMIDs: 10330342; 15901169)

Literature cited by the submitters: PubMed 10330342; PubMed 15901169.